The following is an entry in ClinVar:

NM_000257.4(MYH7):c.5113G>T (p.Glu1705Ter)

Genes: MHRT (myosin heavy chain associated RNA transcript; plus strand), MYH7 (myosin heavy chain 7; minus strand), LOC126861897 (BRD4-independent group 4 enhancer GRCh37_chr14:23884455-23885654; plus strand). Cytogenetic location: 14q11.2.
Variant type: single nucleotide variant.
Coding change: c.5113G>T on transcript NM_000257.4 (MANE Select); coding-DNA position 5113, G replaced by T.
Protein change: p.Glu1705Ter; replaces glutamic acid 1705 with a stop codon.
Molecular consequence: nonsense. On other transcripts: non-coding transcript variant (1).
Genome position (GRCh38, 1-based): chr14:23,415,673, C>A on the plus strand (G>T on the coding strand, the complement: MYH7 is on the minus strand). VCF-style: chr14-23415673-C-A. GRCh37 (hg19) VCF-style: chr14-23884882-C-A.
Other names: short protein forms E1705*.
Identifiers: ClinVar variation 850702 (VCV000850702.8), dbSNP rs1892166399, ClinGen allele CA389036935.
Genomic context (GRCh38, chr14:23,415,673, plus strand): 5'-CAGGGGAGCTGCTCACCTGGGAATGCAGCAGCTGCACCCGCTCACTAGTCTCAATCAGCT[C>A]CTGCTCCGCCAGCTTCCGGGACCGCTCTGTCTGCTCCACCACGGCACGCAACTCCTCCAG-3'

ClinVar aggregate classification (germline): Uncertain significance (1 of 4 stars; one submission).

Conditions:
Hypertrophic cardiomyopathy. Also called: HYPERTROPHIC MYOCARDIOPATHY. Identifiers: Orphanet 217569, MedGen C0007194, MeSH D002312, MONDO:0005045, HP:0001639.

Allele frequency attached by ClinVar (database versions not stated): gnomAD exomes 0.00001.
gnomAD v4.1: 8 of 1,614,086 alleles (0.0005%); highest among the groups gnomAD compares: Non-Finnish European, 0.00068%; no homozygotes.

Submission:

Labcorp Genetics (formerly Invitae), Labcorp
Classification: Uncertain significance for Hypertrophic cardiomyopathy. Last evaluated: 2022-03-23. Review status: criteria provided, single submitter. Criteria: Invitae Variant Classification Sherloc (09022015). Collection method: clinical testing. Allele origin: germline.
Comment: In summary, the available evidence is currently insufficient to determine the role of this variant in disease. Therefore, it has been classified as a Variant of Uncertain Significance. ClinVar contains an entry for this variant (Variation ID: 850702). This variant has not been reported in the literature in individuals affected with MYH7-related conditions. This variant is not present in population databases (gnomAD no frequency). This sequence change creates a premature translational stop signal (p.Glu1705*) in the MYH7 gene. It is expected to result in an absent or disrupted protein product. However, the current clinical and genetic evidence is not sufficient to establish whether loss-of-function variants in MYH7 cause disease.